The following is an entry in ClinVar:

ClinVar aggregate classification (germline): Uncertain significance. Review status: criteria provided, multiple submitters, no conflicts (2 of 4 stars). 4 submissions from 4 submitters: Uncertain significance (4). Last evaluated 2023-10-25.

Conditions:
Atrial septal defect 5 (ASD5). Identifiers: Orphanet 1478, MedGen C2748552, MONDO:0013011, OMIM 612794.
Dilated cardiomyopathy 1R (CMD1R). Identifiers: Orphanet 154, Orphanet 54260, MedGen C3150681, MONDO:0013261, OMIM 613424.
Hypertrophic cardiomyopathy 11. Also called: ACTC1-Related Familial Hypertrophic Cardiomyopathy. Identifiers: MedGen C2677506, MONDO:0012799, OMIM 612098.
Cardiovascular phenotype. Identifiers: MedGen CN230736.
Cardiomyopathy (CMYO). Also called: Cardiomyopathies. Identifiers: Orphanet 167848, MedGen C0878544, MONDO:0004994, HP:0001638. Inheritance: Various modes of inheritance.

Submissions (4):

Color Diagnostics, LLC DBA Color Health
Classification: Uncertain significance for Cardiomyopathy. Last evaluated: 2023-10-25. Review status: criteria provided, single submitter. Criteria: ACMG Guidelines, 2015. Collection method: clinical testing. Allele origin: germline.
Comment: This variant inserts 1 nucleotide in exon 4 of the ACTC1 gene, creating a frameshift and premature translation stop signal. This variant is expected to result in an absent or non-functional protein product. To our knowledge, this variant has not been reported in individuals affected with ACTC1-related disorders in the literature. This variant has not been identified in the general population by the Genome Aggregation Database (gnomAD). Clinical significance of loss-of-function ACTC1 truncation variants in cardiomyopathy is not clearly established. The available evidence is insufficient to determine the role of this variant in disease conclusively. Therefore, this variant is classified as a Variant of Uncertain Significance.

Ambry Genetics
Classification: Uncertain significance for Cardiovascular phenotype. Last evaluated: 2023-07-19. Review status: criteria provided, single submitter. Criteria: Ambry Variant Classification Scheme 2023. Collection method: clinical testing. Allele origin: germline.
Comment: The c.523dupC variant, located in coding exon 3 of the ACTC1 gene, results from a duplication of C at nucleotide position 523, causing a translational frameshift with a predicted alternate stop codon (p.H175Pfs*15). This alteration is expected to result in loss of function by premature protein truncation or nonsense-mediated mRNA decay. However, loss of function of ACTC1 has not been clearly established as a mechanism of disease. Since supporting evidence is limited at this time, the clinical significance of this alteration remains unclear.

Labcorp Genetics (formerly Invitae), Labcorp
Classification: Uncertain significance for Dilated cardiomyopathy 1R; Hypertrophic cardiomyopathy 11; Atrial septal defect 5. Last evaluated: 2022-06-02. Review status: criteria provided, single submitter. Criteria: Invitae Variant Classification Sherloc (09022015). Collection method: clinical testing. Allele origin: germline.
Comment: This sequence change creates a premature translational stop signal (p.His175Profs*15) in the ACTC1 gene. It is expected to result in an absent or disrupted protein product. However, the current clinical and genetic evidence is not sufficient to establish whether loss-of-function variants in ACTC1 cause disease. This variant is not present in population databases (gnomAD no frequency). This variant has not been reported in the literature in individuals affected with ACTC1-related conditions. ClinVar contains an entry for this variant (Variation ID: 180754). In summary, the available evidence is currently insufficient to determine the role of this variant in disease. Therefore, it has been classified as a Variant of Uncertain Significance.

GeneDx
Classification: Uncertain significance. Last evaluated: 2013-08-06. Review status: criteria provided, single submitter. Criteria: GeneDx Variant Classification (06012015). Collection method: clinical testing. Allele origin: germline. Affected: yes.
Comment: The c.523dupC variant in the ACTC1 gene has not been reported as a disease-causing mutation or as a benign change to our knowledge. This variant causes a shift in reading frame starting at codon Histidine 175, changing it to a Proline, and creating a premature stop codon at position 15of the new reading frame, denoted p.His175ProfsX15. This mutation is expected to result in either an abnormal, truncated protein product or loss of protein from this allele through nonsense-mediated mRNA decay. Nevertheless, no frameshift or nonsense mutations have been reported in the ACTC1 gene in association with cardiomyopathy.With the clinical and molecular information available at this time, we cannot definitively determine if c.523dupC is a disease-causing mutation or a rare benign variant.

NM_005159.5(ACTC1):c.523dup (p.His175fs)

Genes: ACTC1 (actin alpha cardiac muscle 1; minus strand), GJD2-DT (GJD2 divergent transcript; plus strand). Cytogenetic location: 15q14.
Variant type: Duplication.
Coding change: c.523dup on transcript NM_005159.5 (MANE Select); coding-DNA position 523, one base duplicated (C; older notation c.523dupC).
Protein change: p.His175fs; shifts the reading frame from histidine 175.
Molecular consequence: frameshift variant.
Genome position (GRCh38, 1-based): chr15:34,792,501, G duplicated on the plus strand (C on the coding strand, the reverse complement: ACTC1 is on the minus strand); the first of 4 consecutive G bases (chr15:34,792,501-34,792,504); duplicating any one gives the same sequence. VCF-style (leftmost placement, unchanged base first): chr15-34792500-T-TG. GRCh37 (hg19) VCF-style: chr15-35084701-T-TG.
Other names: c.523dup (LRG_388t1, NM_005159.4); short protein forms H175fs.
Identifiers: ClinVar variation 180754 (VCV000180754.11), dbSNP rs730880389, ClinGen allele CA295851.
Genomic context (GRCh38, chr15:34,792,500, plus strand): 5'-AGGATCTTCATGAGGTAGTCAGTGAGGTCCCGACCAGCCAGATCCAGACGCATGATGGCA[T>TG]GGGGCAAAGCGTAGCCCTCATAGATGGGGACATTGTGAGTTACACCATCCCCAGAGTCCA-3'